The following is an entry in ClinVar:

ClinVar aggregate classification (germline): Uncertain significance (1 of 4 stars; one submission).

Conditions:
Hereditary cancer-predisposing syndrome. Also called: Neoplastic Syndromes, Hereditary; Tumor predisposition; Hereditary Cancer Syndrome; Hereditary neoplastic syndrome. Identifiers: Orphanet 140162, MedGen C0027672, MeSH D009386, MONDO:0015356.

Submission:

Ambry Genetics
Classification: Uncertain significance for Hereditary cancer-predisposing syndrome. Last evaluated: 2025-09-19. Review status: criteria provided, single submitter. Criteria: Ambry Variant Classification Scheme 2023. Collection method: clinical testing. Allele origin: germline.
Comment: The p.L710M variant (also known as c.2128T>A), located in coding exon 14 of the PDGFRA gene, results from a T to A substitution at nucleotide position 2128. The leucine at codon 710 is replaced by methionine, an amino acid with highly similar properties. This amino acid position is conserved. In addition, this alteration is predicted to be tolerated by in silico analysis. Based on the available evidence, the clinical significance of this variant remains unclear.

NM_006206.6(PDGFRA):c.2128T>A (p.Leu710Met)

Gene: PDGFRA (platelet derived growth factor receptor alpha; plus strand). Cytogenetic location: 4q12.
Variant type: single nucleotide variant.
Coding change: c.2128T>A on transcript NM_006206.6 (MANE Select); coding-DNA position 2128, T replaced by A.
Protein change: p.Leu710Met; replaces leucine 710 with methionine.
Molecular consequence: missense variant.
Genome position (GRCh38, 1-based): chr4:54,278,487, T>A. VCF-style: chr4-54278487-T-A. GRCh37 (hg19) VCF-style: chr4-55144654-T-A.
Other names: c.2128T>A, p.Leu710Met (NM_001347829.2, NM_001347827.2); c.2167T>A, p.Leu723Met (NM_001347830.2); c.2203T>A, p.Leu735Met (NM_001347828.2); short protein forms L710M, L723M, L735M.
Identifiers: ClinVar variation 4665097 (VCV004665097.1).
Genomic context (GRCh38, chr4:54,278,487, plus strand): 5'-AGGGATAGCTTCCTGAGCCACCACCCAGAGAAGCCAAAGAAAGAGCTGGATATCTTTGGA[T>A]TGAACCCTGCTGATGAAAGCACACGGAGGTGGGTGCAAAGAGAGATGTTGCTGTCTATCA-3'
Protein context (NP_006197.1, residues 700-720): KPKKELDIFG[Leu710Met]NPADESTRSY